The following is an entry in ClinVar:

ClinVar aggregate classification (germline): Likely benign. Review status: criteria provided, multiple submitters, no conflicts (2 of 4 stars). 5 submissions from 5 submitters: Likely benign (5). Last evaluated 2025-09-14.

Conditions:
RYR1-related disorder. Also called: RYR1-related disorders; RYR1-related condition. Identifiers: MedGen CN239331.
Malignant hyperthermia, susceptibility to, 1 (MHS1). Also called: Anesthesia related hyperthermia; Malignant hyperpyrexia; Fulminating hyperpyrexia; Pharmacogenic myopathy; RYR1-Related Malignant Hyperthermia Susceptibility; Malignant hyperthermia suceptibility 1. Identifiers: Orphanet 423, MedGen C2930980, MONDO:0007783, OMIM 145600.

Allele frequency attached by ClinVar (database versions not stated): gnomAD exomes 0.00002 and 0.00004; ExAC 0.00003; TOPMed 0.00005; ESP Exome Variant Server 0.00008.
gnomAD v4.1: 33 of 1,571,560 alleles (0.0021%); highest among the groups gnomAD compares: African/African-American, 0.015%; no homozygotes.

Submissions (5):

Labcorp Genetics (formerly Invitae), Labcorp
Classification: Likely benign for RYR1-related disorder. Last evaluated: 2025-09-14. Review status: criteria provided, single submitter. Criteria: Invitae Variant Classification Sherloc (09022015). Collection method: clinical testing. Allele origin: germline.

All of Us Research Program, National Institutes of Health
Classification: Likely benign for Malignant hyperthermia, susceptibility to, 1. Last evaluated: 2024-05-14. Review status: criteria provided, single submitter. Criteria: ACMG Guidelines, 2015. Collection method: clinical testing. Allele origin: germline. Inheritance: Autosomal dominant inheritance. Observed: 4 variant alleles, 4 heterozygotes.
Comment: This study involves interpretation of variants in research participants for the purpose of population health screening. Participant phenotype was not available at the time of variant classification. Additional details can be found in publication PMID: 35346344, PMCID: PMC8962531

CeGaT Center for Human Genetics Tuebingen
Classification: Likely benign. Last evaluated: 2024-04-01. Review status: criteria provided, single submitter. Criteria: CeGaT Center For Human Genetics Tuebingen Variant Classification Criteria Version 2. Collection method: clinical testing. Allele origin: germline. Affected: yes. Observed: 1 variant allele.
Comment: RYR1: BP4, BP7

Color Diagnostics, LLC DBA Color Health
Classification: Likely benign for Malignant hyperthermia, susceptibility to, 1. Last evaluated: 2022-11-06. Review status: criteria provided, single submitter. Criteria: ACMG Guidelines, 2015. Collection method: clinical testing. Allele origin: germline.

PreventionGenetics, part of Exact Sciences
Classification: Likely benign. Review status: criteria provided, single submitter. Criteria: ACMG Guidelines, 2015. Collection method: clinical testing. Allele origin: germline.

NM_000540.3(RYR1):c.3144C>T (p.Tyr1048=)

Gene: RYR1 (ryanodine receptor 1; plus strand). Cytogenetic location: 19q13.2.
Variant type: single nucleotide variant.
Coding change: c.3144C>T on transcript NM_000540.3 (MANE Select); coding-DNA position 3144, C replaced by T.
Protein change: p.Tyr1048=; no amino-acid change (tyrosine 1048 retained).
Molecular consequence: synonymous variant.
Genome position (GRCh38, 1-based): chr19:38,466,364, C>T. VCF-style: chr19-38466364-C-T. GRCh37 (hg19) VCF-style: chr19-38957004-C-T.
Other names: c.3144C>T, p.Tyr1048= (NM_001042723.2).
Identifiers: ClinVar variation 256489 (VCV000256489.33), dbSNP rs143242075, ClinGen allele CA064465.